The following is an entry in ClinVar:

ClinVar aggregate classification (germline): Uncertain significance (1 of 4 stars; one submission).

Conditions:
Hereditary motor and sensory neuropathy, Okinawa type (HMSNO). Also called: HEREDITARY MOTOR AND SENSORY NEUROPATHY, PROXIMAL TYPE. Identifiers: Orphanet 90117, MedGen C1858338, MONDO:0011468, OMIM 604484.
Hereditary spastic paraplegia 57. Also called: Spastic paraplegia 57, autosomal recessive. Identifiers: Orphanet 431329, MedGen C3714897, MONDO:0014295, OMIM 615658.

Submission:

Labcorp Genetics (formerly Invitae), Labcorp
Classification: Uncertain significance for Hereditary motor and sensory neuropathy, Okinawa type; Hereditary spastic paraplegia 57. Last evaluated: 2022-07-06. Review status: criteria provided, single submitter. Criteria: Invitae Variant Classification Sherloc (09022015). Collection method: clinical testing. Allele origin: germline.
Comment: This sequence change replaces proline, which is neutral and non-polar, with arginine, which is basic and polar, at codon 308 of the TFG protein (p.Pro308Arg). This variant is not present in population databases (gnomAD no frequency). This variant has not been reported in the literature in individuals affected with TFG-related conditions. ClinVar contains an entry for this variant (Variation ID: 1437309). Algorithms developed to predict the effect of missense changes on protein structure and function are either unavailable or do not agree on the potential impact of this missense change (SIFT: "Deleterious"; PolyPhen-2: "Possibly Damaging"; Align-GVGD: "Class C0"). In summary, the available evidence is currently insufficient to determine the role of this variant in disease. Therefore, it has been classified as a Variant of Uncertain Significance.

NM_006070.6(TFG):c.923C>G (p.Pro308Arg)

Gene: TFG (trafficking from ER to golgi regulator; plus strand). Cytogenetic location: 3q12.2.
Variant type: single nucleotide variant.
Coding change: c.923C>G on transcript NM_006070.6 (MANE Select); coding-DNA position 923, C replaced by G.
Protein change: p.Pro308Arg; replaces proline 308 with arginine.
Molecular consequence: missense variant.
Genome position (GRCh38, 1-based): chr3:100,748,251, C>G. VCF-style: chr3-100748251-C-G. GRCh37 (hg19) VCF-style: chr3-100467095-C-G.
Other names: c.923C>G, p.Pro308Arg (NM_001007565.2, NM_001195478.2); c.911C>G, p.Pro304Arg (NM_001195479.2); short protein forms P308R, P304R.
Identifiers: ClinVar variation 1437309 (VCV001437309.8), dbSNP rs2149106095, ClinGen allele CA353853393.
Genomic context (GRCh38, chr3:100,748,251, plus strand): 5'-TCCAGGGATATGGCCAGCAACCAACTTCCCAGGCACCAGCTCCTGCCTTTTCTGGTCAGC[C>G]TCAACAACTGCCTGCTCAGCCGCCACAGCAGTACCAGGCGAGCAATTATCCTGCACAAAC-3'
Protein context (NP_006061.2, residues 298-318): QAPAPAFSGQ[Pro308Arg]QQLPAQPPQQ